The following is an entry in ClinVar:

ClinVar aggregate classification (germline): Pathogenic (1 of 4 stars; one submission).

Conditions:
Neurodevelopmental disorder. Identifiers: MedGen C1535926, MeSH D065886, MONDO:0700092.

Submission:

Mendelics
Classification: Pathogenic for Neurodevelopmental disorder. Last evaluated: 2026-03-05. Review status: criteria provided, single submitter. Criteria: ACMG Guidelines, 2015. Collection method: clinical testing. Allele origin: unknown.
Comment: Likely pathogenic/Pathogenic according to ACMG criteria.

NM_001145250.2(SP9):c.245C>A (p.Ser82Ter)

Gene: SP9 (Sp9 transcription factor; plus strand). Cytogenetic location: 2q31.1.
Variant type: single nucleotide variant.
Coding change: c.245C>A on transcript NM_001145250.2 (MANE Select); coding-DNA position 245, C replaced by A.
Protein change: p.Ser82Ter; replaces serine 82 with a stop codon.
Molecular consequence: nonsense.
Genome position (GRCh38, 1-based): chr2:174,336,330, C>A. VCF-style: chr2-174336330-C-A. GRCh37 (hg19) VCF-style: chr2-175201058-C-A.
Other names: short protein forms S82*.
Identifiers: ClinVar variation 4813568 (VCV004813568.1).